The following is an entry in ClinVar:

NM_000188.3(HK1):c.1163C>T (p.Ala388Val)

Gene: HK1 (hexokinase 1; plus strand). Cytogenetic location: 10q22.1.
Variant type: single nucleotide variant.
Coding change: c.1163C>T on transcript NM_000188.3 (MANE Select); coding-DNA position 1163, C replaced by T.
Protein change: p.Ala388Val; replaces alanine 388 with valine.
Molecular consequence: missense variant.
Genome position (GRCh38, 1-based): chr10:69,379,993, C>T. VCF-style: chr10-69379993-C-T. GRCh37 (hg19) VCF-style: chr10-71139749-C-T.
Other names: c.1175C>T, p.Ala392Val (NM_001322364.2, NM_001358263.1, NM_033497.3 and 1 more transcripts); c.1268C>T, p.Ala423Val (NM_001322365.2); c.1079C>T, p.Ala360Val (NM_001322366.1); c.1067C>T, p.Ala356Val (NM_001322367.1); c.1160C>T, p.Ala387Val (NM_033496.3); c.1127C>T, p.Ala376Val (NM_033500.2); short protein forms A356V, A387V, A392V, A360V, A388V, A423V, A376V.
Identifiers: ClinVar variation 2117159 (VCV002117159.4), dbSNP rs780073506, ClinGen allele CA5532521.

ClinVar aggregate classification (germline): Uncertain significance (1 of 4 stars; one submission).

Allele frequency attached by ClinVar (database versions not stated): ExAC 0.00001; TOPMed 0.00001.

Submission:

Labcorp Genetics (formerly Invitae), Labcorp
Classification: Uncertain significance. Last evaluated: 2022-03-26. Review status: criteria provided, single submitter. Criteria: Invitae Variant Classification Sherloc (09022015). Collection method: clinical testing. Allele origin: germline.
Comment: Algorithms developed to predict the effect of missense changes on protein structure and function are either unavailable or do not agree on the potential impact of this missense change (SIFT: "Deleterious"; PolyPhen-2: "Possibly Damaging"; Align-GVGD: "Class C0"). This variant has not been reported in the literature in individuals affected with HK1-related conditions. This variant is present in population databases (rs780073506, gnomAD 0.007%). This sequence change replaces alanine, which is neutral and non-polar, with valine, which is neutral and non-polar, at codon 388 of the HK1 protein (p.Ala388Val). In summary, the available evidence is currently insufficient to determine the role of this variant in disease. Therefore, it has been classified as a Variant of Uncertain Significance.